The following is an entry in ClinVar:

ClinVar aggregate classification (germline): Pathogenic (1 of 4 stars; one submission).

Conditions:
Neurofibromatosis, type 1 (NF1). Also called: Peripheral type neurofibromatosis; Neurofibromatosis, type I; VON RECKLINGHAUSEN DISEASE; NEUROFIBROMATOSIS, TYPE I, SOMATIC. Identifiers: Orphanet 636, MedGen C0027831, MONDO:0018975, OMIM 162200. Disease mechanism: loss of function.

Submission:

Labcorp Genetics (formerly Invitae), Labcorp
Classification: Pathogenic for Neurofibromatosis, type 1. Last evaluated: 2021-08-04. Review status: criteria provided, single submitter. Criteria: Invitae Variant Classification Sherloc (09022015). Collection method: clinical testing. Allele origin: germline.
Comment: This variant is a gross deletion of the genomic region encompassing exon(s) 4 of the NF1 gene. This deletion is out-of-frame, and is expected to create a premature translational stop signal and result in an absent or disrupted protein product. Loss-of-function variants in NF1 are known to be pathogenic (PMID: 10712197, 23913538). A similar copy number variant has been observed in individual(s) with clinical features of neurofibromatosis type 1 (PMID: 18055911, 26189818). For these reasons, this variant has been classified as Pathogenic.

Literature cited by the submitters: PubMed 10712197; PubMed 23913538; PubMed 18055911; PubMed 26189818.

NC_000017.11:g.(?_31160230)_(31163386_?)del

Gene: NF1 (neurofibromin 1; plus strand). Cytogenetic location: 17q11.2.
Variant type: Deletion.
Identifiers: ClinVar variation 832872 (VCV000832872.2).